The following is an entry in ClinVar:

ClinVar aggregate classification (germline): Conflicting classifications of pathogenicity. Review status: criteria provided, conflicting classifications (1 of 4 stars). 2 submissions from 2 submitters: Likely pathogenic (1); Uncertain significance (1). Last evaluated 2025-08-01.

Submissions (2):

Women's Health and Genetics/Laboratory Corporation of America, LabCorp
Classification: Uncertain significance. Last evaluated: 2025-08-01. Review status: criteria provided, single submitter. Criteria: LabCorp Variant Classification Summary - May 2015. Collection method: clinical testing. Allele origin: germline.
Comment: Variant summary: USH2A c.12415G>A (p.Gly4139Ser) results in a non-conservative amino acid change located in the Fibronectin type III repeat domain (IPR003961) of the encoded protein sequence. Algorithms developed to predict the effect of missense changes on protein structure and function all suggest that this variant is likely to be disruptive. The variant was absent in 250394 control chromosomes (gnomAD). The available data on variant occurrences in the general population are insufficient to allow any conclusion about variant significance. To our knowledge, no occurrence of c.12415G>A in individuals affected with Usher Syndrome and no experimental evidence demonstrating its impact on protein function have been reported. However, different missense changes affecting the same amino acid (i.e. Gly4139Val/Arg) have been reported in affected individuals (in HGMD and ClinVar), supporting a functional importance for this residue. ClinVar contains an entry for this variant (Variation ID: 2793783). Based on the evidence outlined above, the variant was classified as uncertain significance.

Labcorp Genetics (formerly Invitae), Labcorp
Classification: Likely pathogenic. Last evaluated: 2025-04-11. Review status: criteria provided, single submitter. Criteria: Invitae Variant Classification Sherloc (09022015). Collection method: clinical testing. Allele origin: germline.
Comment: This sequence change replaces glycine, which is neutral and non-polar, with serine, which is neutral and polar, at codon 4139 of the USH2A protein (p.Gly4139Ser). This variant is not present in population databases (gnomAD no frequency). This variant has not been reported in the literature in individuals affected with USH2A-related conditions. ClinVar contains an entry for this variant (Variation ID: 2793783). Invitae Evidence Modeling of protein sequence and biophysical properties (such as structural, functional, and spatial information, amino acid conservation, physicochemical variation, residue mobility, and thermodynamic stability) indicates that this missense variant is expected to disrupt USH2A protein function with a positive predictive value of 95%. This variant disrupts the p.Gly4139 amino acid residue in USH2A. Other variant(s) that disrupt this residue have been determined to be pathogenic (internal data). This suggests that this residue is clinically significant, and that variants that disrupt this residue are likely to be disease-causing. In summary, the currently available evidence indicates that the variant is pathogenic, but additional data are needed to prove that conclusively. Therefore, this variant has been classified as Likely Pathogenic.

NM_206933.4(USH2A):c.12415G>A (p.Gly4139Ser)

Gene: USH2A (usherin; minus strand). Cytogenetic location: 1q41.
Variant type: single nucleotide variant.
Coding change: c.12415G>A on transcript NM_206933.4 (MANE Select); coding-DNA position 12415, G replaced by A.
Protein change: p.Gly4139Ser; replaces glycine 4139 with serine.
Molecular consequence: missense variant.
Genome position (GRCh38, 1-based): chr1:215,675,496, C>T on the plus strand (G>A on the coding strand, the complement: USH2A is on the minus strand). VCF-style: chr1-215675496-C-T. GRCh37 (hg19) VCF-style: chr1-215848838-C-T.
Other names: short protein forms G4139S.
Identifiers: ClinVar variation 2793783 (VCV002793783.5), dbSNP rs138866017, ClinGen allele CA344850980.